The following is an entry in ClinVar:

NM_001142800.2(EYS):c.281C>A (p.Pro94Gln)

Gene: EYS (EGF-like photoreceptor maintenance factor; minus strand). Cytogenetic location: 6q12.
Variant type: single nucleotide variant.
Coding change: c.281C>A on transcript NM_001142800.2 (MANE Select); coding-DNA position 281, C replaced by A.
Protein change: p.Pro94Gln; replaces proline 94 with glutamine.
Molecular consequence: missense variant.
Genome position (GRCh38, 1-based): chr6:65,495,130, G>T on the plus strand (C>A on the coding strand, the complement: EYS is on the minus strand). VCF-style: chr6-65495130-G-T. GRCh37 (hg19) VCF-style: chr6-66205023-G-T.
Other names: c.281C>A, p.Pro94Gln (NM_001142801.2, NM_001292009.2, NM_198283.2); short protein forms P94Q.
Identifiers: ClinVar variation 357749 (VCV000357749.53), dbSNP rs111947397, ClinGen allele CA3878102.

ClinVar aggregate classification (germline): Conflicting classifications of pathogenicity. Review status: criteria provided, conflicting classifications (1 of 4 stars). 8 submissions from 8 submitters: Uncertain significance (1); Benign (3); Likely benign (1). 3 of the submissions do not count toward it. Last evaluated 2026-01-28.

Conditions:
Retinitis pigmentosa 25 (RP25). Identifiers: Orphanet 791, MedGen C1864446, MONDO:0011272, OMIM 602772.
Retinitis pigmentosa (RP). Identifiers: Orphanet 791, MedGen C0035334, MeSH D012174, MONDO:0019200, OMIM 268000. Inheritance: Autosomal dominant, autosomal recessive and X linked inheritance.

Allele frequency attached by ClinVar (database versions not stated): gnomAD exomes 0.00054 and 0.00115; ExAC 0.00139; gnomAD 0.00404; ESP Exome Variant Server 0.00408; 1000 Genomes Project 0.00439; 1000 Genomes Project 30x 0.00468; TOPMed 0.00478.

Submissions (8):

Labcorp Genetics (formerly Invitae), Labcorp
Classification: Benign. Last evaluated: 2026-01-28. Review status: criteria provided, single submitter. Criteria: Invitae Variant Classification Sherloc (09022015). Collection method: clinical testing. Allele origin: germline.

Blueprint Genetics
Classification: Likely benign. Last evaluated: 2024-11-13. Review status: criteria provided, single submitter. Criteria: ACMG Guidelines, 2015. Collection method: clinical testing. Allele origin: germline.

CeGaT Center for Human Genetics Tuebingen
Classification: Benign. Last evaluated: 2023-06-01. Review status: criteria provided, single submitter. Criteria: CeGaT Center For Human Genetics Tuebingen Variant Classification Criteria Version 2. Collection method: clinical testing. Allele origin: germline. Affected: yes. Observed: 1 variant allele.
Comment: EYS: BP4, BS1, BS2

Genome-Nilou Lab
Classification: Benign for Retinitis pigmentosa 25. Last evaluated: 2021-05-18. Review status: criteria provided, single submitter. Criteria: ACMG Guidelines, 2015. Collection method: clinical testing. Allele origin: germline. Affected: no.

Illumina Laboratory Services, Illumina
Classification: Uncertain significance for Retinitis pigmentosa. Last evaluated: 2018-01-13. Review status: criteria provided, single submitter. Criteria: ICSL Variant Classification Criteria 13 December 2019. Collection method: clinical testing. Allele origin: germline.

Natera, Inc.
Classification: Benign for Retinitis pigmentosa type 25. Last evaluated: 2020-07-23. Review status: no assertion criteria provided. Collection method: clinical testing. Allele origin: germline. Not counted in ClinVar's aggregate classification.

Clinical Genetics DNA and cytogenetics Diagnostics Lab, Erasmus MC, Erasmus Medical Center
Classification: Benign. Review status: no assertion criteria provided. Collection method: clinical testing. Allele origin: germline. Affected: yes. Study: VKGL Data-share Consensus. Not counted in ClinVar's aggregate classification.

Clinical Genetics, Academic Medical Center
Classification: Benign. Review status: no assertion criteria provided. Collection method: clinical testing. Allele origin: germline. Affected: yes. Study: VKGL Data-share Consensus. Not counted in ClinVar's aggregate classification.